The following is an entry in ClinVar:

NM_007294.4(BRCA1):c.1958_1961del (p.Lys653fs)

Gene: BRCA1 (BRCA1 DNA repair associated; minus strand). Cytogenetic location: 17q21.31.
Variant type: Deletion.
Coding change: c.1958_1961del on transcript NM_007294.4 (MANE Select); coding-DNA positions 1958 to 1961, 4 bases deleted (AAAA; older notation c.1958_1961delAAAA).
Protein change: p.Lys653fs; shifts the reading frame from lysine 653.
Molecular consequence: frameshift variant. On other transcripts: intron variant (137).
Genome position (GRCh38, 1-based): chr17:43,093,570-43,093,573, TTTT deleted on the plus strand (AAAA on the coding strand, the reverse complement: BRCA1 is on the minus strand); deleting any 4 consecutive bases within chr17:43,093,570-43,093,577 gives the same sequence; the c. name uses the placement nearest the transcript's 3' end. VCF-style (leftmost placement, unchanged base first): chr17-43093569-CTTTT-C. GRCh37 (hg19) VCF-style: chr17-41245586-CTTTT-C.
Other names: c.1958_1961delAAAA (NM_007294.3); c.1958_1961del, p.Lys653fs (NM_001407616.1, NM_001407617.1, NM_001407618.1 and 30 more transcripts); c.1955_1958del, p.Lys652fs (NM_001407627.1, NM_001407628.1, NM_001407629.1 and 22 more transcripts); c.1949_1952del, p.Lys650fs (NM_001407646.1, NM_001407647.1); c.1835_1838del, p.Lys612fs (NM_001407648.1, NM_001407664.1, NM_001407665.1 and 19 more transcripts); c.1832_1835del, p.Lys611fs (NM_001407649.1, NM_001407670.1, NM_001407671.1 and 11 more transcripts); c.1880_1883del, p.Lys627fs (NM_001407653.1, NM_001407654.1, NM_001407655.1 and 4 more transcripts); c.1877_1880del, p.Lys626fs (NM_001407659.1, NM_001407660.1, NM_001407661.1 and 1 more transcripts); and 41 more; short protein forms K653fs, K606fs, K541fs, K542fs, K564fs, K582fs, K583fs, K586fs.
Identifiers: ClinVar variation 54413 (VCV000054413.13), dbSNP rs80357522, ClinGen allele CA001296.

ClinVar aggregate classification (germline): Pathogenic. Review status: reviewed by expert panel (3 of 4 stars). 5 submissions from 5 submitters: Pathogenic (1). 4 of the submissions do not count toward it. Last evaluated 2016-09-08.

Conditions:
Hereditary cancer-predisposing syndrome. Also called: Tumor predisposition; Neoplastic Syndromes, Hereditary; Hereditary Cancer Syndrome; Hereditary neoplastic syndrome. Identifiers: Orphanet 140162, MedGen C0027672, MeSH D009386, MONDO:0015356.
Hereditary breast ovarian cancer syndrome. Also called: Hereditary breast and ovarian cancer syndrome (HBOC); Hereditary breast and ovarian cancer syndrome; Hereditary breast and ovarian cancer; Hereditary breast and/or ovarian cancer syndrome; Breast and ovarian cancer; BRCA1- and BRCA2-Associated Hereditary Breast and Ovarian Cancer. Identifiers: Orphanet 145, MedGen C0677776, MeSH D061325, MONDO:0003582. Disease mechanism: loss of function.
Breast-ovarian cancer, familial, susceptibility to, 1 (BROVCA1). Also called: OVARIAN CANCER, SUSCEPTIBILITY TO; BRCA1 Hereditary Breast and Ovarian Cancer. Identifiers: Orphanet 145, MedGen C2676676, MONDO:0011450, OMIM 604370. Disease mechanism: loss of function.

Submissions (5):

Evidence-based Network for the Interpretation of Germline Mutant Alleles (ENIGMA)
Classification: Pathogenic for Breast-ovarian cancer, familial, susceptibility to, 1. Last evaluated: 2016-09-08. Review status: reviewed by expert panel. Criteria: ENIGMA BRCA1/2 Classification Criteria (2015). Collection method: curation. Allele origin: germline.
Comment: Variant allele predicted to encode a truncated non-functional protein.

Labcorp Genetics (formerly Invitae), Labcorp
Classification: Pathogenic for Hereditary breast ovarian cancer syndrome. Last evaluated: 2023-08-16. Review status: criteria provided, single submitter. Criteria: Invitae Variant Classification Sherloc (09022015). Collection method: clinical testing. Allele origin: germline. Not counted in ClinVar's aggregate classification.
Comment: ClinVar contains an entry for this variant (Variation ID: 54413). For these reasons, this variant has been classified as Pathogenic. This premature translational stop signal has been observed in individual(s) with ovarian cancer (PMID: 17688236). This variant is not present in population databases (gnomAD no frequency). This sequence change creates a premature translational stop signal (p.Lys653Serfs*47) in the BRCA1 gene. It is expected to result in an absent or disrupted protein product. Loss-of-function variants in BRCA1 are known to be pathogenic (PMID: 20104584).

Department of Molecular Diagnostics, Institute of Oncology Ljubljana
Classification: Pathogenic for Breast-ovarian cancer, familial, susceptibility to, 1. Last evaluated: 2020-04-02. Review status: criteria provided, single submitter. Criteria: ACMG Guidelines, 2015. Collection method: clinical testing. Allele origin: germline. Affected: yes. Not counted in ClinVar's aggregate classification.

Ambry Genetics
Classification: Pathogenic for Hereditary cancer-predisposing syndrome. Last evaluated: 2019-06-17. Review status: criteria provided, single submitter. Criteria: Ambry Variant Classification Scheme 2023. Collection method: clinical testing. Allele origin: germline. Not counted in ClinVar's aggregate classification.
Comment: The c.1958_1961delAAAA pathogenic mutation, located in coding exon 9 of the BRCA1 gene, results from a deletion of 4 nucleotides at nucleotide positions 1958 to 1961, causing a translational frameshift with a predicted alternate stop codon (p.L653Sfs*47). This pathogenic mutation has been reported in one family with a history of ovarian cancer (Ramus SJ et al. Hum. Mutat. 2007 Dec;28:1207-15). In addition to the clinical data presented in the literature, this alteration is expected to result in loss of function by premature protein truncation or nonsense-mediated mRNA decay. As such, this alteration is interpreted as a disease-causing mutation.

Consortium of Investigators of Modifiers of BRCA1/2 (CIMBA), c/o University of Cambridge
Classification: Pathogenic for Breast-ovarian cancer, familial, susceptibility to, 1. Last evaluated: 2015-10-02. Review status: criteria provided, single submitter. Criteria: CIMBA Mutation Classification guidelines May 2016. Collection method: clinical testing. Allele origin: germline. Not counted in ClinVar's aggregate classification.

Literature cited by the submitters: PubMed 17688236 (cited by Labcorp Genetics (formerly Invitae), Labcorp and Ambry Genetics); PubMed 20104584 (cited by Labcorp Genetics (formerly Invitae), Labcorp).